The following is an entry in ClinVar:

ClinVar aggregate classification (germline): Uncertain significance (1 of 4 stars; one submission).

Conditions:
Cardiovascular phenotype. Identifiers: MedGen CN230736.

Submission:

Ambry Genetics
Classification: Uncertain significance for Cardiovascular phenotype. Last evaluated: 2026-06-09. Review status: criteria provided, single submitter. Criteria: Ambry Variant Classification Scheme 2023. Collection method: clinical testing. Allele origin: germline.
Comment: The p.P557Q variant (also known as c.1670C>A), located in coding exon 29 of the TRDN gene, results from a C to A substitution at nucleotide position 1670. The proline at codon 557 is replaced by glutamine, an amino acid with similar properties. This amino acid position is conserved. In addition, this alteration is predicted to be tolerated by in silico analysis. Based on the available evidence, the clinical significance of this variant remains unclear.

NM_006073.4(TRDN):c.1670C>A (p.Pro557Gln)

Gene: TRDN (triadin; minus strand). Cytogenetic location: 6q22.31.
Variant type: single nucleotide variant.
Coding change: c.1670C>A on transcript NM_006073.4 (MANE Select); coding-DNA position 1670, C replaced by A.
Protein change: p.Pro557Gln; replaces proline 557 with glutamine.
Molecular consequence: missense variant.
Genome position (GRCh38, 1-based): chr6:123,272,966, G>T on the plus strand (C>A on the coding strand, the complement: TRDN is on the minus strand). VCF-style: chr6-123272966-G-T. GRCh37 (hg19) VCF-style: chr6-123594111-G-T.
Other names: short protein forms P557Q.
Identifiers: ClinVar variation 4865909 (VCV004865909.1).